The following is an entry in ClinVar:

ClinVar aggregate classification (germline): Uncertain significance (1 of 4 stars; one submission).

Allele frequency attached by ClinVar (database versions not stated): gnomAD exomes below 0.00001.
gnomAD v4.1: 3 of 1,614,098 alleles (0.00019%); highest among the groups gnomAD compares: Non-Finnish European, 0.00025%; no homozygotes.

Submission:

Labcorp Genetics (formerly Invitae), Labcorp
Classification: Uncertain significance. Last evaluated: 2021-03-24. Review status: criteria provided, single submitter. Criteria: Invitae Variant Classification Sherloc (09022015). Collection method: clinical testing. Allele origin: germline.
Comment: This sequence change replaces methionine with threonine at codon 417 of the SBF1 protein (p.Met417Thr). The methionine residue is moderately conserved and there is a moderate physicochemical difference between methionine and threonine. In summary, the available evidence is currently insufficient to determine the role of this variant in disease. Therefore, it has been classified as a Variant of Uncertain Significance. This variant disrupts the p.Met417 amino acid residue in SBF1. Other variant(s) that disrupt this residue have been determined to be pathogenic (PMID: 23749797). This suggests that this residue is clinically significant, and that variants that disrupt this residue are likely to be disease-causing. Algorithms developed to predict the effect of missense changes on protein structure and function (SIFT, PolyPhen-2, Align-GVGD) all suggest that this variant is likely to be tolerated, but these predictions have not been confirmed by published functional studies and their clinical significance is uncertain. This variant has not been reported in the literature in individuals with SBF1-related conditions. This variant is not present in population databases (ExAC no frequency).

Literature cited by the submitters: PubMed 23749797.

NM_002972.4(SBF1):c.1250T>C (p.Met417Thr)

Gene: SBF1 (SET binding factor 1; minus strand). Cytogenetic location: 22q13.33.
Variant type: single nucleotide variant.
Coding change: c.1250T>C on transcript NM_002972.4 (MANE Select); coding-DNA position 1250, T replaced by C.
Protein change: p.Met417Thr; replaces methionine 417 with threonine.
Molecular consequence: missense variant.
Genome position (GRCh38, 1-based): chr22:50,465,083, A>G on the plus strand (T>C on the coding strand, the complement: SBF1 is on the minus strand). VCF-style: chr22-50465083-A-G. GRCh37 (hg19) VCF-style: chr22-50903512-A-G.
Other names: c.1253T>C, p.Met418Thr (NM_001365819.1); short protein forms M417T, M418T.
Identifiers: ClinVar variation 1475287 (VCV001475287.8), dbSNP rs1569513437, ClinGen allele CA412218347.